The following is an entry in ClinVar:

NM_000256.3(MYBPC3):c.183C>T (p.Gly61=)

Gene: MYBPC3 (myosin binding protein C3; minus strand). Cytogenetic location: 11p11.2.
Variant type: single nucleotide variant.
Coding change: c.183C>T on transcript NM_000256.3 (MANE Select); coding-DNA position 183, C replaced by T.
Protein change: p.Gly61=; no amino-acid change (glycine 61 retained).
Molecular consequence: synonymous variant.
Genome position (GRCh38, 1-based): chr11:47,351,348, G>A on the plus strand (C>T on the coding strand, the complement: MYBPC3 is on the minus strand). VCF-style: chr11-47351348-G-A. GRCh37 (hg19) VCF-style: chr11-47372899-G-A.
Identifiers: ClinVar variation 3915209 (VCV003915209.2).
Genomic context (GRCh38, chr11:47,351,348, plus strand): 5'-GACTGCGTAAGATCCCTGGTCGGCAGGGCCCACTTCCCGCACTGTCAGCGTATGCCGTGT[G>A]CCCTCTGTGGCCAGGCCGTACTTGTTGCTGGCGCTGATGTCACTGCCTCCGCGCTGCCAG-3'
Protein context (NP_000247.2, residues 51-71): ASNKYGLATE[Gly61=]TRHTLTVREV

ClinVar aggregate classification (germline): Likely benign. Review status: criteria provided, multiple submitters, no conflicts (2 of 4 stars). 2 submissions from 2 submitters: Likely benign (2). Last evaluated 2026-04-03.

Conditions:
Cardiovascular phenotype. Identifiers: MedGen CN230736.
MYBPC3-related disorder. Also called: MYBPC3-related disorders; MYBPC3-related condition; MYBPC3-related disease.

Submissions (2):

PreventionGenetics, part of Exact Sciences
Classification: Likely benign for MYBPC3-related condition. Last evaluated: 2026-04-03. Review status: criteria provided, single submitter. Criteria: ACMG Guidelines, 2015. Collection method: clinical testing. Allele origin: germline.
Comment: This variant is classified as likely benign based on ACMG/AMP sequence variant interpretation guidelines (Richards et al. 2015 PMID: 25741868, with internal and published modifications).

Ambry Genetics
Classification: Likely benign for Cardiovascular phenotype. Last evaluated: 2025-04-10. Review status: criteria provided, single submitter. Criteria: Ambry Variant Classification Scheme 2023. Collection method: clinical testing. Allele origin: germline.